The following is an entry in ClinVar:

NM_001276270.2(MBD4):c.814G>C (p.Asp272His)

Gene: MBD4 (methyl-CpG binding domain 4, DNA glycosylase; minus strand). Cytogenetic location: 3q21.3.
Variant type: single nucleotide variant.
Coding change: c.814G>C on transcript NM_001276270.2 (MANE Select); coding-DNA position 814, G replaced by C.
Protein change: p.Asp272His; replaces aspartic acid 272 with histidine.
Molecular consequence: missense variant. On other transcripts: intron variant (1).
Genome position (GRCh38, 1-based): chr3:129,436,830, C>G on the plus strand (G>C on the coding strand, the complement: MBD4 is on the minus strand). VCF-style: chr3-129436830-C-G. GRCh37 (hg19) VCF-style: chr3-129155673-C-G.
Other names: c.814G>C, p.Asp272His (NM_001276271.2, NM_001276272.2, NM_003925.3); c.247+978G>C (NM_001276273.2); short protein forms D272H.
Identifiers: ClinVar variation 4825713 (VCV004825713.1).
Genomic context (GRCh38, chr3:129,436,830, plus strand): 5'-CAGAAATGCAGACAGTTCTATCAAGCTGACTTTTTTGTGCAACAGGTTCACTTTCAGCAT[C>G]TGCTTTATTACACACAGATTCTCTTTTGCTATCACTTTGAACAAAACCTGAACAGCTCTT-3'
Protein context (NP_001263199.1, residues 262-282): SKRESVCNKA[Asp272His]AESEPVAQKS

ClinVar aggregate classification (germline): Uncertain significance (1 of 4 stars; one submission).

Conditions:
Inborn genetic diseases. Identifiers: MedGen C0950123, MeSH D030342.

gnomAD v4.1: 1 of 1,614,154 alleles (0.000062%); highest among the groups gnomAD compares: Admixed American, 0.0017%; no homozygotes.

Submission:

Ambry Genetics
Classification: Uncertain significance for Inborn genetic diseases. Last evaluated: 2026-02-16. Review status: criteria provided, single submitter. Criteria: Ambry Variant Classification Scheme 2023. Collection method: clinical testing. Allele origin: germline.
Comment: The p.D272H variant (also known as c.814G>C), located in coding exon 3 of the MBD4 gene, results from a G to C substitution at nucleotide position 814. The aspartic acid at codon 272 is replaced by histidine, an amino acid with similar properties. This amino acid position is conserved. In addition, this alteration is predicted to be tolerated by in silico analysis. Based on the available evidence, the clinical significance of this variant remains unclear.